The following is an entry in ClinVar:

NM_001005361.3(DNM2):c.1422+6G>A

Gene: DNM2 (dynamin 2; plus strand). Cytogenetic location: 19p13.2.
Variant type: single nucleotide variant.
Coding change: c.1422+6G>A on transcript NM_001005361.3 (MANE Select); 6 bases into the intron after coding-DNA position 1422, G replaced by A.
Molecular consequence: intron variant.
Genome position (GRCh38, 1-based): chr19:10,798,578, G>A. VCF-style: chr19-10798578-G-A. GRCh37 (hg19) VCF-style: chr19-10909254-G-A.
Other names: c.1422+6G>A (NM_001005360.3, NM_001190716.2, NM_004945.4 and 1 more transcripts).
Identifiers: ClinVar variation 1487190 (VCV001487190.6), dbSNP rs2146039132, ClinGen allele CA2573155553.

ClinVar aggregate classification (germline): Uncertain significance (1 of 4 stars; one submission).

Conditions:
Charcot-Marie-Tooth disease dominant intermediate B (CMTDIB). Also called: CHARCOT-MARIE-TOOTH NEUROPATHY, DOMINANT INTERMEDIATE B; Charcot-Marie-Tooth disease dominant intermediate 1; CMT DI1; Charcot-Marie-Tooth disease dominant intermediate I. Identifiers: Orphanet 100044, Orphanet 228179, MedGen C1847902, MONDO:0011674, OMIM 606482.

Submission:

Labcorp Genetics (formerly Invitae), Labcorp
Classification: Uncertain significance for Charcot-Marie-Tooth disease dominant intermediate B. Last evaluated: 2022-08-16. Review status: criteria provided, single submitter. Criteria: Invitae Variant Classification Sherloc (09022015). Collection method: clinical testing. Allele origin: germline.
Comment: This sequence change falls in intron 11 of the DNM2 gene. It does not directly change the encoded amino acid sequence of the DNM2 protein. It affects a nucleotide within the consensus splice site. This variant is not present in population databases (gnomAD no frequency). This variant has not been reported in the literature in individuals affected with DNM2-related conditions. ClinVar contains an entry for this variant (Variation ID: 1487190). Variants that disrupt the consensus splice site are a relatively common cause of aberrant splicing (PMID: 17576681, 9536098). Algorithms developed to predict the effect of sequence changes on RNA splicing suggest that this variant is not likely to affect RNA splicing. In summary, the available evidence is currently insufficient to determine the role of this variant in disease. Therefore, it has been classified as a Variant of Uncertain Significance.

Literature cited by the submitters: PubMed 17576681; PubMed 9536098.